The following is an entry in ClinVar:

NM_001734.5(C1S):c.1837A>C (p.Thr613Pro)

Gene: C1S (complement C1s; plus strand). Cytogenetic location: 12p13.31.
Variant type: single nucleotide variant.
Coding change: c.1837A>C on transcript NM_001734.5 (MANE Select); coding-DNA position 1837, A replaced by C.
Protein change: p.Thr613Pro; replaces threonine 613 with proline.
Molecular consequence: missense variant.
Genome position (GRCh38, 1-based): chr12:7,070,421, A>C. VCF-style: chr12-7070421-A-C. GRCh37 (hg19) VCF-style: chr12-7177725-A-C.
Other names: c.1336A>C, p.Thr446Pro (NM_001346850.2); c.1837A>C, p.Thr613Pro (NM_201442.4); short protein forms T446P, T613P.
Identifiers: ClinVar variation 1385321 (VCV001385321.6), dbSNP rs1937820209, ClinGen allele CA383707343.

ClinVar aggregate classification (germline): Uncertain significance (1 of 4 stars; one submission).

Submission:

Labcorp Genetics (formerly Invitae), Labcorp
Classification: Uncertain significance. Last evaluated: 2021-10-08. Review status: criteria provided, single submitter. Criteria: Invitae Variant Classification Sherloc (09022015). Collection method: clinical testing. Allele origin: germline.
Comment: In summary, the available evidence is currently insufficient to determine the role of this variant in disease. Therefore, it has been classified as a Variant of Uncertain Significance. Algorithms developed to predict the effect of missense changes on protein structure and function (SIFT, PolyPhen-2, Align-GVGD) all suggest that this variant is likely to be disruptive. This variant has not been reported in the literature in individuals affected with C1S-related conditions. This variant is not present in population databases (ExAC no frequency). This sequence change replaces threonine with proline at codon 613 of the C1S protein (p.Thr613Pro). The threonine residue is highly conserved and there is a small physicochemical difference between threonine and proline.